The following is an entry in ClinVar:

ClinVar aggregate classification (germline): Uncertain significance (1 of 4 stars; one submission).

Conditions:
Granulomatous disease, chronic, autosomal recessive, cytochrome b-positive, type 2. Also called: GRANULOMATOUS DISEASE, CHRONIC, AUTOSOMAL RECESSIVE, 2; Chronic granulomatous disease due to deficiency of NCF-2; CGD, AUTOSOMAL RECESSIVE CYTOCHROME b-POSITIVE, TYPE II; GRANULOMATOUS DISEASE, CHRONIC, DUE TO NCF2 DEFICIENCY; Chronic Granulomatous Disease, Autosomal Recessive, Cytochrome b-Positive, Type II. Identifiers: Orphanet 379, MedGen C1856245, MONDO:0009310, OMIM 233710.

Submission:

Labcorp Genetics (formerly Invitae), Labcorp
Classification: Uncertain significance for Granulomatous disease, chronic, autosomal recessive, cytochrome b-positive, type 2. Last evaluated: 2018-11-08. Review status: criteria provided, single submitter. Criteria: Invitae Variant Classification Sherloc (09022015). Collection method: clinical testing. Allele origin: germline.
Comment: This variant is not present in population databases (ExAC no frequency). This sequence change replaces glycine with arginine at codon 481 of the NCF2 protein (p.Gly481Arg). The glycine residue is highly conserved and there is a moderate physicochemical difference between glycine and arginine. In summary, the available evidence is currently insufficient to determine the role of this variant in disease. Therefore, it has been classified as a Variant of Uncertain Significance. Algorithms developed to predict the effect of missense changes on protein structure and function (SIFT, PolyPhen-2, Align-GVGD) all suggest that this variant is likely to be disruptive, but these predictions have not been confirmed by published functional studies and their clinical significance is uncertain. This variant has not been reported in the literature in individuals with NCF2-related disease.

NM_000433.4(NCF2):c.1441G>C (p.Gly481Arg)

Gene: NCF2 (neutrophil cytosolic factor 2; minus strand). Cytogenetic location: 1q25.3.
Variant type: single nucleotide variant.
Coding change: c.1441G>C on transcript NM_000433.4 (MANE Select); coding-DNA position 1441, G replaced by C.
Protein change: p.Gly481Arg; replaces glycine 481 with arginine.
Molecular consequence: missense variant.
Genome position (GRCh38, 1-based): chr1:183,560,123, C>G on the plus strand (G>C on the coding strand, the complement: NCF2 is on the minus strand). VCF-style: chr1-183560123-C-G. GRCh37 (hg19) VCF-style: chr1-183529258-C-G.
Other names: c.1441G>C, p.Gly481Arg (NM_001127651.3); c.1198G>C, p.Gly400Arg (NM_001190789.2); c.1306G>C, p.Gly436Arg (NM_001190794.2); short protein forms G436R, G400R, G481R.
Identifiers: ClinVar variation 644293 (VCV000644293.9), dbSNP rs1191336717, ClinGen allele CA343703550.